The following is an entry in ClinVar:

NM_206933.4(USH2A):c.1246G>A (p.Ala416Thr)

Gene: USH2A (usherin; minus strand). Cytogenetic location: 1q41.
Variant type: single nucleotide variant.
Coding change: c.1246G>A on transcript NM_206933.4 (MANE Select); coding-DNA position 1246, G replaced by A.
Protein change: p.Ala416Thr; replaces alanine 416 with threonine.
Molecular consequence: missense variant.
Genome position (GRCh38, 1-based): chr1:216,324,250, C>T on the plus strand (G>A on the coding strand, the complement: USH2A is on the minus strand). VCF-style: chr1-216324250-C-T. GRCh37 (hg19) VCF-style: chr1-216497592-C-T.
Other names: c.1246G>A, p.Ala416Thr (NM_007123.6); short protein forms A416T.
Identifiers: ClinVar variation 1032620 (VCV001032620.5), dbSNP rs187897763, ClinGen allele CA1396566.

ClinVar aggregate classification (germline): Uncertain significance. Review status: criteria provided, multiple submitters, no conflicts (2 of 4 stars). 5 submissions from 4 submitters: Uncertain significance (5). Last evaluated 2025-08-14.

Conditions:
Retinitis pigmentosa 39 (RP39). Identifiers: Orphanet 791, MedGen C3151138, MONDO:0013436, OMIM 613809.
Usher syndrome type 2A. Also called: RETINAL DISEASE IN USHER SYNDROME TYPE IIA, MODIFIER OF; USHER SYNDROME, TYPE IIA. Identifiers: Orphanet 231178, Orphanet 886, MedGen C1848634, MONDO:0010169, OMIM 276901.

Allele frequency attached by ClinVar (database versions not stated): 1000 Genomes Project 30x 0.00047.
gnomAD v4.1: 12 of 1,613,368 alleles (0.00074%); highest among the groups gnomAD compares: Admixed American, 0.017%; no homozygotes.

Submissions (5):

Labcorp Genetics (formerly Invitae), Labcorp
Classification: Uncertain significance. Last evaluated: 2025-08-14. Review status: criteria provided, single submitter. Criteria: Invitae Variant Classification Sherloc (09022015). Collection method: clinical testing. Allele origin: germline.
Comment: This sequence change replaces alanine, which is neutral and non-polar, with threonine, which is neutral and polar, at codon 416 of the USH2A protein (p.Ala416Thr). This variant is present in population databases (rs187897763, gnomAD 0.006%). This missense change has been observed in individual(s) with retinitis pigmentosa (PMID: 32098976). ClinVar contains an entry for this variant (Variation ID: 1032620). Invitae Evidence Modeling of protein sequence and biophysical properties (such as structural, functional, and spatial information, amino acid conservation, physicochemical variation, residue mobility, and thermodynamic stability) has been performed for this missense variant. However, the output from this modeling did not meet the statistical confidence thresholds required to predict the impact of this variant on USH2A protein function. In summary, the available evidence is currently insufficient to determine the role of this variant in disease. Therefore, it has been classified as a Variant of Uncertain Significance.

Women's Health and Genetics/Laboratory Corporation of America, LabCorp
Classification: Uncertain significance. Last evaluated: 2024-12-26. Review status: criteria provided, single submitter. Criteria: LabCorp Variant Classification Summary - May 2015. Collection method: clinical testing. Allele origin: germline.
Comment: Variant summary: USH2A c.1246G>A (p.Ala416Thr) results in a non-conservative amino acid change located in the Laminin N-terminal domain profile (IPR008211) of the encoded protein sequence. Four of five in-silico tools predict a damaging effect of the variant on protein function. The variant allele was found at a frequency of 1.6e-05 in 250008 control chromosomes. The available data on variant occurrences in the general population are insufficient to allow any conclusion about variant significance. c.1246G>A has been reported in the literature in the compound heterozygous state in at least one in individual affected with retinitis pigmentosa. These data do not allow any conclusion about variant significance. To our knowledge, no experimental evidence demonstrating an impact on protein function has been reported. The following publication have been ascertained in the context of this evaluation (PMID: 32098976). ClinVar contains an entry for this variant (Variation ID: 1032620). Based on the evidence outlined above, the variant was classified as uncertain significance.

Genome-Nilou Lab
Classification: Uncertain significance for Retinitis pigmentosa 39. Last evaluated: 2023-11-04. Review status: criteria provided, single submitter. Criteria: ACMG Guidelines, 2015. Collection method: clinical testing. Allele origin: germline. Affected: no.

Genome-Nilou Lab
Classification: Uncertain significance for Usher syndrome type 2A. Last evaluated: 2023-11-04. Review status: criteria provided, single submitter. Criteria: ACMG Guidelines, 2015. Collection method: clinical testing. Allele origin: germline. Affected: no.

Baylor Genetics
Classification: Uncertain significance for Retinitis pigmentosa 39. Last evaluated: 2018-04-10. Review status: criteria provided, single submitter. Criteria: ACMG Guidelines, 2015. Collection method: clinical testing. Allele origin: maternal. Affected: yes.
Comment: This variant was determined to be of uncertain significance according to ACMG Guidelines, 2015 [PMID:25741868].

Literature cited by the submitters: PubMed 32098976 (cited by Labcorp Genetics (formerly Invitae), Labcorp and Women's Health and Genetics/Laboratory Corporation of America, LabCorp).